The following is an entry in ClinVar:

NM_001105206.3(LAMA4):c.1375_1376del (p.Ser459fs)

Gene: LAMA4 (laminin subunit alpha 4; minus strand). Cytogenetic location: 6q21.
Variant type: Microsatellite.
Coding change: c.1375_1376del on transcript NM_001105206.3 (MANE Select); coding-DNA positions 1375 to 1376, 2 bases deleted (AG; older notation c.1375_1376delAG).
Protein change: p.Ser459fs; shifts the reading frame from serine 459.
Molecular consequence: frameshift variant.
Genome position (GRCh38, 1-based): chr6:112,172,786-112,172,787, CT deleted on the plus strand (AG on the coding strand, the reverse complement: LAMA4 is on the minus strand); deleting any 2 consecutive bases within chr6:112,172,786-112,172,790 gives the same sequence; the c. name uses the placement nearest the transcript's 3' end. VCF-style (leftmost placement, unchanged base first): chr6-112172785-GCT-G. GRCh37 (hg19) VCF-style: chr6-112493987-GCT-G.
Other names: c.1354_1355del, p.Ser452fs (NM_001105207.3, NM_002290.5); short protein forms S452fs, S459fs.
Identifiers: ClinVar variation 1957694 (VCV001957694.5), dbSNP rs2547110287, ClinGen allele CA2580617338.

ClinVar aggregate classification (germline): Uncertain significance (1 of 4 stars; one submission).

Conditions:
Dilated cardiomyopathy 1JJ (CMD1JJ). Identifiers: Orphanet 154, MedGen C3808935, MONDO:0014095, OMIM 615235.

Submission:

Labcorp Genetics (formerly Invitae), Labcorp
Classification: Uncertain significance for Dilated cardiomyopathy 1JJ. Last evaluated: 2022-05-09. Review status: criteria provided, single submitter. Criteria: Invitae Variant Classification Sherloc (09022015). Collection method: clinical testing. Allele origin: germline.
Comment: This sequence change creates a premature translational stop signal (p.Ser452Leufs*7) in the LAMA4 gene. It is expected to result in an absent or disrupted protein product. However, the current clinical and genetic evidence is not sufficient to establish whether loss-of-function variants in LAMA4 cause disease. This variant is not present in population databases (gnomAD no frequency). This variant has not been reported in the literature in individuals affected with LAMA4-related conditions. In summary, the available evidence is currently insufficient to determine the role of this variant in disease. Therefore, it has been classified as a Variant of Uncertain Significance.